The following is an entry in ClinVar:

NM_000059.4(BRCA2):c.9016T>A (p.Tyr3006Asn)

Gene: BRCA2 (BRCA2 DNA repair associated; plus strand). Cytogenetic location: 13q13.1.
Variant type: single nucleotide variant.
Coding change: c.9016T>A on transcript NM_000059.4 (MANE Select); coding-DNA position 9016, T replaced by A.
Protein change: p.Tyr3006Asn; replaces tyrosine 3006 with asparagine.
Molecular consequence: missense variant.
Genome position (GRCh38, 1-based): chr13:32,379,812, T>A. VCF-style: chr13-32379812-T-A. GRCh37 (hg19) VCF-style: chr13-32953949-T-A.
Other names: short protein forms Y3006N.
Identifiers: ClinVar variation 922030 (VCV000922030.10), dbSNP rs397507416, ClinGen allele CA387757473.

ClinVar aggregate classification (germline): Uncertain significance. Review status: criteria provided, multiple submitters, no conflicts (2 of 4 stars). 2 submissions from 2 submitters: Uncertain significance (2). Last evaluated 2023-12-04.

Conditions:
Hereditary breast ovarian cancer syndrome. Also called: BRCA1- and BRCA2-Associated Hereditary Breast and Ovarian Cancer; Hereditary breast and ovarian cancer syndrome; Hereditary breast and ovarian cancer; Hereditary breast and ovarian cancer syndrome (HBOC); Breast and ovarian cancer; Hereditary breast and/or ovarian cancer syndrome. Identifiers: Orphanet 145, MedGen C0677776, MeSH D061325, MONDO:0003582. Disease mechanism: loss of function.
Hereditary cancer-predisposing syndrome. Also called: Neoplastic Syndromes, Hereditary; Tumor predisposition; Hereditary Cancer Syndrome; Hereditary neoplastic syndrome. Identifiers: Orphanet 140162, MedGen C0027672, MeSH D009386, MONDO:0015356.

Submissions (2):

Color Diagnostics, LLC DBA Color Health
Classification: Uncertain significance for Hereditary cancer-predisposing syndrome. Last evaluated: 2023-12-04. Review status: criteria provided, single submitter. Criteria: ACMG Guidelines, 2015. Collection method: clinical testing. Allele origin: germline.
Comment: This missense variant replaces tyrosine with asparagine at codon 3006 of the BRCA2 protein. Computational prediction suggests that this variant may have deleterious impact on protein structure and function (internally defined REVEL score threshold >= 0.7, PMID: 27666373). To our knowledge, functional studies have not been reported for this variant. This variant has not been reported in individuals affected with BRCA2-related disorders in the literature. This variant has not been identified in the general population by the Genome Aggregation Database (gnomAD). The available evidence is insufficient to determine the role of this variant in disease conclusively. Therefore, this variant is classified as a Variant of Uncertain Significance.

Labcorp Genetics (formerly Invitae), Labcorp
Classification: Uncertain significance for Hereditary breast ovarian cancer syndrome. Last evaluated: 2021-12-08. Review status: criteria provided, single submitter. Criteria: Invitae Variant Classification Sherloc (09022015). Collection method: clinical testing. Allele origin: germline.
Comment: In summary, the available evidence is currently insufficient to determine the role of this variant in disease. Therefore, it has been classified as a Variant of Uncertain Significance. Advanced modeling of protein sequence and biophysical properties (such as structural, functional, and spatial information, amino acid conservation, physicochemical variation, residue mobility, and thermodynamic stability) performed at Invitae indicates that this missense variant is not expected to disrupt BRCA2 protein function. ClinVar contains an entry for this variant (Variation ID: 922030). This variant has not been reported in the literature in individuals affected with BRCA2-related conditions. This variant is not present in population databases (gnomAD no frequency). This sequence change replaces tyrosine, which is neutral and polar, with asparagine, which is neutral and polar, at codon 3006 of the BRCA2 protein (p.Tyr3006Asn).